The following is an entry in ClinVar:

ClinVar aggregate classification (germline): Pathogenic. Review status: criteria provided, multiple submitters, no conflicts (2 of 4 stars). 2 submissions from 2 submitters: Pathogenic (2). Last evaluated 2024-03-28.

Conditions:
ABCA4-related disorder. Also called: ABCA4-related condition; ABCA4-related disorders. Identifiers: MedGen CN239167.

gnomAD v4.1: 1 of 1,609,448 alleles (0.000062%); no homozygotes.

Submissions (2):

Blueprint Genetics
Classification: Pathogenic for ABCA4-related disorders. Last evaluated: 2024-03-28. Review status: criteria provided, single submitter. Criteria: ACMG Guidelines, 2015. Collection method: clinical testing. Allele origin: germline. Affected: yes. Observed: 4 variant alleles.

Labcorp Genetics (formerly Invitae), Labcorp
Classification: Pathogenic. Last evaluated: 2024-01-02. Review status: criteria provided, single submitter. Criteria: Invitae Variant Classification Sherloc (09022015). Collection method: clinical testing. Allele origin: germline.
Comment: This sequence change replaces tryptophan, which is neutral and slightly polar, with cysteine, which is neutral and slightly polar, at codon 1724 of the ABCA4 protein (p.Trp1724Cys). This variant is not present in population databases (gnomAD no frequency). This missense change has been observed in individual(s) with Stargardt disease (PMID: 17932850, 19028736, 23755871). In at least one individual the data is consistent with being in trans (on the opposite chromosome) from a pathogenic variant. ClinVar contains an entry for this variant (Variation ID: 866023). Advanced modeling of protein sequence and biophysical properties (such as structural, functional, and spatial information, amino acid conservation, physicochemical variation, residue mobility, and thermodynamic stability) performed at Invitae indicates that this missense variant is expected to disrupt ABCA4 protein function with a positive predictive value of 95%. For these reasons, this variant has been classified as Pathogenic.

Literature cited by the submitters: PubMed 17932850 (cited by Labcorp Genetics (formerly Invitae), Labcorp); PubMed 19028736 (cited by Labcorp Genetics (formerly Invitae), Labcorp); PubMed 23755871 (cited by Labcorp Genetics (formerly Invitae), Labcorp).

NM_000350.3(ABCA4):c.5172G>T (p.Trp1724Cys)

Gene: ABCA4 (ATP binding cassette subfamily A member 4; minus strand). Cytogenetic location: 1p22.1.
Variant type: single nucleotide variant.
Coding change: c.5172G>T on transcript NM_000350.3 (MANE Select); coding-DNA position 5172, G replaced by T.
Protein change: p.Trp1724Cys; replaces tryptophan 1724 with cysteine.
Molecular consequence: missense variant.
Genome position (GRCh38, 1-based): chr1:94,019,606, C>A on the plus strand (G>T on the coding strand, the complement: ABCA4 is on the minus strand). VCF-style: chr1-94019606-C-A. GRCh37 (hg19) VCF-style: chr1-94485162-C-A.
Other names: c.4950G>T, p.Trp1650Cys (NM_001425324.1); short protein forms W1724C, W1650C.
Identifiers: ClinVar variation 866023 (VCV000866023.8), dbSNP rs1557767754, ClinGen allele CA341282555.